The following is an entry in ClinVar:

ClinVar aggregate classification (germline): Pathogenic (1 of 4 stars; one submission).

Submission:

Labcorp Genetics (formerly Invitae), Labcorp
Classification: Pathogenic. Last evaluated: 2023-03-18. Review status: criteria provided, single submitter. Criteria: Invitae Variant Classification Sherloc (09022015). Collection method: clinical testing. Allele origin: germline.
Comment: For these reasons, this variant has been classified as Pathogenic. This premature translational stop signal has been observed in individual(s) with Usher syndrome (PMID: 25412400). This variant is present in population databases (rs764360108, gnomAD 0.003%). This sequence change creates a premature translational stop signal (p.Gly197Alafs*21) in the USH1C gene. It is expected to result in an absent or disrupted protein product. Loss-of-function variants in USH1C are known to be pathogenic (PMID: 10973247, 17407589, 20301442, 21203349).

Literature cited by the submitters: PubMed 25412400; PubMed 10973247; PubMed 17407589; PubMed 20301442; PubMed 21203349.

NM_153676.4(USH1C):c.590del (p.Gly197fs)

Gene: USH1C (USH1 protein network component harmonin; minus strand). Cytogenetic location: 11p15.1.
Variant type: Deletion.
Coding change: c.590del on transcript NM_153676.4 (MANE Select); coding-DNA position 590, one base deleted (G; older notation c.590delG).
Protein change: p.Gly197fs; shifts the reading frame from glycine 197.
Molecular consequence: frameshift variant. On other transcripts: non-coding transcript variant (1).
Genome position (GRCh38, 1-based): chr11:17,526,431, C deleted on the plus strand (G on the coding strand, the reverse complement: USH1C is on the minus strand); the first of 2 consecutive C bases (chr11:17,526,431-17,526,432); deleting either gives the same sequence. VCF-style (leftmost placement, unchanged base first): chr11-17526430-GC-G. GRCh37 (hg19) VCF-style: chr11-17547977-GC-G.
Other names: c.590del, p.Gly197fs (NM_001297764.2, NM_005709.4); short protein forms G197fs.
Identifiers: ClinVar variation 2735558 (VCV002735558.3), dbSNP rs764360108, ClinGen allele CA5904943.